The following is an entry in ClinVar:

ClinVar aggregate classification (germline): Uncertain significance (1 of 4 stars; one submission).

Allele frequency attached by ClinVar (database versions not stated): gnomAD exomes below 0.00001.

Submission:

GeneDx
Classification: Uncertain significance. Last evaluated: 2018-07-06. Review status: criteria provided, single submitter. Criteria: GeneDx Variant Classification (06012015). Collection method: clinical testing. Allele origin: germline. Affected: yes.
Comment: The M189V variant of uncertain significance in the NRAS gene has not been published as pathogenic or benign to our knowledge. This variant is not observed in large population cohorts (Lek et al., 2016). However, M189V is a conservative amino acid substitution, which is not likely to impact secondary protein structure as these residues share similar properties. In addition, in-silico analyses, including protein predictors and evolutionary conservation, support that this variant does not alter protein structure/function.Therefore, based on the currently available information, it is unclear whether this variant is pathogenic or rare benign.

NM_002524.5(NRAS):c.565A>G (p.Met189Val)

Gene: NRAS (NRAS proto-oncogene, GTPase; minus strand). Cytogenetic location: 1p13.2.
Variant type: single nucleotide variant.
Coding change: c.565A>G on transcript NM_002524.5 (MANE Select); coding-DNA position 565, A replaced by G.
Protein change: p.Met189Val; replaces methionine 189 with valine.
Molecular consequence: missense variant.
Genome position (GRCh38, 1-based): chr1:114,708,540, T>C on the plus strand (A>G on the coding strand, the complement: NRAS is on the minus strand). VCF-style: chr1-114708540-T-C. GRCh37 (hg19) VCF-style: chr1-115251161-T-C.
Other names: c.565A>G (LRG_92t1); short protein forms M189V.
Identifiers: ClinVar variation 561354 (VCV000561354.1), dbSNP rs1557980814, ClinGen allele CA341738334.